The following is an entry in ClinVar:

NM_001322934.2(NFKB2):c.661+5G>A

Gene: NFKB2 (nuclear factor kappa B subunit 2; plus strand). Cytogenetic location: 10q24.32.
Variant type: single nucleotide variant.
Coding change: c.661+5G>A on transcript NM_001322934.2 (MANE Select); 5 bases into the intron after coding-DNA position 661, G replaced by A.
Molecular consequence: intron variant.
Genome position (GRCh38, 1-based): chr10:102,397,690, G>A. VCF-style: chr10-102397690-G-A. GRCh37 (hg19) VCF-style: chr10-104157447-G-A.
Other names: c.661+5G>A (NM_001288724.1, NM_001322935.1, NM_001077494.3 and 2 more transcripts).
Identifiers: ClinVar variation 4755636 (VCV004755636.1).

ClinVar aggregate classification (germline): Uncertain significance (1 of 4 stars; one submission).

Submission:

GeneDx
Classification: Uncertain significance. Last evaluated: 2025-08-09. Review status: criteria provided, single submitter. Criteria: GeneDx Variant Classification Process June 2021. Collection method: clinical testing. Allele origin: germline. Affected: yes.
Comment: Not observed at significant frequency in large population cohorts (gnomAD); Intronic +5 splice site variant in a gene for which loss of function is a known mechanism of disease, and both splice predictors and evolutionary conservation support a deleterious effect, although in the absence of functional evidence the actual effect of this sequence change is unknown.; Has not been previously published as pathogenic or benign to our knowledge